The following is an entry in ClinVar:

NM_001110556.2(FLNA):c.1883A>T (p.Asp628Val)

Gene: FLNA (filamin A; minus strand). Cytogenetic location: Xq28.
Variant type: single nucleotide variant.
Coding change: c.1883A>T on transcript NM_001110556.2 (MANE Select); coding-DNA position 1883, A replaced by T.
Protein change: p.Asp628Val; replaces aspartic acid 628 with valine.
Molecular consequence: missense variant.
Genome position (GRCh38, 1-based): chrX:154,364,665, T>A on the plus strand (A>T on the coding strand, the complement: FLNA is on the minus strand). VCF-style: chrX-154364665-T-A. GRCh37 (hg19) VCF-style: chrX-153593033-T-A.
Other names: c.1883A>T, p.Asp628Val (NM_001456.4); short protein forms D628V.
Identifiers: ClinVar variation 1781925 (VCV001781925.2), dbSNP rs2522754918, ClinGen allele CA415241847.
Genomic context (GRCh38, chrX:154,364,665, plus strand): 5'-AGCACGTGAACGGCATACTCGCCAGCCTCCTGCGGCCAGTAGCGCACATCACAGGAGCCG[T>A]CGCCCTTGTCGTCACATTCGATCTTAGCCTGCGATGGCCCTTCCACCGAGAAGCCTGACA-3'
Protein context (NP_001104026.1, residues 618-638): QAKIECDDKG[Asp628Val]GSCDVRYWPQ

ClinVar aggregate classification (germline): Uncertain significance (1 of 4 stars; one submission).

Conditions:
Familial thoracic aortic aneurysm and aortic dissection (TAAD). Also called: Thoracic aortic aneurysms and dissections. Identifiers: Orphanet 91387, MedGen C4707243, MONDO:0019625.

Submission:

Ambry Genetics
Classification: Uncertain significance for Familial thoracic aortic aneurysm and aortic dissection. Last evaluated: 2021-11-18. Review status: criteria provided, single submitter. Criteria: Ambry Variant Classification Scheme 2023. Collection method: clinical testing. Allele origin: germline.
Comment: The p.D628V variant (also known as c.1883A>T), located in coding exon 12 of the FLNA gene, results from an A to T substitution at nucleotide position 1883. The aspartic acid at codon 628 is replaced by valine, an amino acid with highly dissimilar properties. This amino acid position is highly conserved in available vertebrate species. In addition, this alteration is predicted to be deleterious by in silico analysis. Since supporting evidence is limited at this time, the clinical significance of this alteration remains unclear.